The following is an entry in ClinVar:

ClinVar aggregate classification (germline): Likely benign (1 of 4 stars; one submission).

Conditions:
RP1L1-related disorder. Also called: RP1L1-related condition.

gnomAD v4.1: 198 of 1,613,852 alleles (0.012%); highest among the groups gnomAD compares: Non-Finnish European, 0.017%; no homozygotes.

Submission:

PreventionGenetics, part of Exact Sciences
Classification: Likely benign for RP1L1-related condition. Last evaluated: 2026-06-24. Review status: criteria provided, single submitter. Criteria: ACMG Guidelines, 2015. Collection method: clinical testing. Allele origin: germline.
Comment: This variant is classified as likely benign based on ACMG/AMP sequence variant interpretation guidelines (Richards et al. 2015 PMID: 25741868, with internal and published modifications).

NM_178857.6(RP1L1):c.981C>T (p.Val327=)

Gene: RP1L1 (RP1 like 1). Cytogenetic location: 8p23.1.
Variant type: single nucleotide variant.
Coding change: c.981C>T on transcript NM_178857.6 (MANE Select); coding-DNA position 981, C replaced by T.
Protein change: p.Val327=; no amino-acid change (valine 327 retained).
Molecular consequence: synonymous variant.
Genome position (GRCh38, 1-based): chr8:10,613,117, G>A on the plus strand (C>T on the coding strand, the complement: RP1L1 is on the minus strand). VCF-style: chr8-10613117-G-A. GRCh37 (hg19) VCF-style: chr8-10470627-G-A.
Identifiers: ClinVar variation 4979359 (VCV004979359.1).